The following is an entry in ClinVar:

NM_000548.5(TSC2):c.1622C>G (p.Pro541Arg)

Gene: TSC2 (TSC complex subunit 2; plus strand). Cytogenetic location: 16p13.3.
Variant type: single nucleotide variant.
Coding change: c.1622C>G on transcript NM_000548.5 (MANE Select); coding-DNA position 1622, C replaced by G.
Protein change: p.Pro541Arg; replaces proline 541 with arginine.
Molecular consequence: missense variant.
Genome position (GRCh38, 1-based): chr16:2,065,541, C>G. VCF-style: chr16-2065541-C-G. GRCh37 (hg19) VCF-style: chr16-2115542-C-G.
Other names: c.1622C>G, p.Pro541Arg (NM_001077183.3, NM_001114382.3, NM_001363528.2 and 3 more transcripts); c.1511C>G, p.Pro504Arg (NM_001318827.2); c.1475C>G, p.Pro492Arg (NM_001318829.2); c.1022C>G, p.Pro341Arg (NM_001318831.2); c.1655C>G, p.Pro552Arg (NM_001318832.2); short protein forms P541R, P341R, P504R, P552R, P492R.
Identifiers: ClinVar variation 318313 (VCV000318313.25), dbSNP rs752953762, ClinGen allele CA031797.
Genomic context (GRCh38, chr16:2,065,541, plus strand): 5'-CATGAGCCTGTGTGTAAGTCCTGGCCTTCTCTTCAAAGGTGATGGCCCGCTCCCTCTCCC[C>G]ACCCCCGGAGCTGGAAGAAAGGGATGTGGCCGCATACTCGGCCTCCTTGGAGGATGTGAA-3'
Protein context (NP_000539.2, residues 531-551): IEKVMARSLS[Pro541Arg]PPELEERDVA

ClinVar aggregate classification (germline): Conflicting classifications of pathogenicity. Review status: criteria provided, conflicting classifications (1 of 4 stars). 8 submissions from 8 submitters: Uncertain significance (5); Benign (2); Likely benign (1). Last evaluated 2026-01-24.

Conditions:
Lymphangiomyomatosis (LAM). Also called: Lymphangioleiomyomatosis; Lymphangioleiomyomatosis, somatic. Identifiers: Orphanet 538, MedGen C0751674, MONDO:0011705, OMIM 606690.
Tuberous sclerosis 2 (TSC2). Identifiers: Orphanet 805, MedGen C1860707, MONDO:0013199, OMIM 613254.
Isolated focal cortical dysplasia type II (FCORD2). Also called: CORTICAL DYSPLASIA OF TAYLOR; Focal cortical dysplasia type II. Identifiers: Orphanet 268994, MedGen C1846385, MONDO:0011818, OMIM 607341, HP:0032051.
Hereditary cancer-predisposing syndrome. Also called: Neoplastic Syndromes, Hereditary; Hereditary neoplastic syndrome; Tumor predisposition; Hereditary Cancer Syndrome. Identifiers: Orphanet 140162, MedGen C0027672, MeSH D009386, MONDO:0015356.
Tuberous sclerosis syndrome (TSC). Also called: Tuberous Sclerosis Complex; Tuberous sclerosis. Identifiers: Orphanet 805, MedGen C0041341, MONDO:0001734.

Allele frequency attached by ClinVar (database versions not stated): TOPMed below 0.00001; gnomAD 0.00001.
gnomAD v4.1: 22 of 1,613,652 alleles (0.0014%); highest among the groups gnomAD compares: East Asian, 0.045%; no homozygotes.

Submissions (8):

Labcorp Genetics (formerly Invitae), Labcorp
Classification: Benign for Tuberous sclerosis 2. Last evaluated: 2026-01-24. Review status: criteria provided, single submitter. Criteria: Invitae Variant Classification Sherloc (09022015). Collection method: clinical testing. Allele origin: germline.

Color Diagnostics, LLC DBA Color Health
Classification: Benign for Tuberous sclerosis syndrome. Last evaluated: 2025-06-04. Review status: criteria provided, single submitter. Criteria: ACMG Guidelines, 2015. Collection method: clinical testing. Allele origin: germline.

Ambry Genetics
Classification: Likely benign for Hereditary cancer-predisposing syndrome. Last evaluated: 2023-12-06. Review status: criteria provided, single submitter. Criteria: Ambry Variant Classification Scheme 2023. Collection method: clinical testing. Allele origin: germline.

Athena Diagnostics
Classification: Uncertain significance. Last evaluated: 2023-08-22. Review status: criteria provided, single submitter. Criteria: Athena Diagnostics Criteria. Collection method: clinical testing. Allele origin: unknown.
Comment: Available data are insufficient to determine the clinical significance of the variant at this time. The frequency of this variant in the general population is uninformative in assessment of its pathogenicity. Computational tools predict that this variant is not damaging.

All of Us Research Program, National Institutes of Health
Classification: Uncertain significance for Tuberous sclerosis syndrome. Last evaluated: 2023-05-04. Review status: criteria provided, single submitter. Criteria: ACMG Guidelines, 2015. Collection method: clinical testing. Allele origin: germline. Inheritance: Autosomal dominant inheritance. Observed: 1 variant allele, 1 heterozygote.
Comment: This missense variant replaces proline with arginine at codon 541 of the TSC2 protein. Computational prediction suggests that this variant may not impact protein structure and function (internally defined REVEL score threshold <= 0.5, PMID: 27666373). To our knowledge, functional studies have not been reported for this variant. This variant has not been reported in individuals affected with TSC2-related disorders in the literature. This variant has been identified in 1/250182 chromosomes in the general population by the Genome Aggregation Database (gnomAD). The available evidence is insufficient to determine the role of this variant in disease conclusively. Therefore, this variant is classified as a Variant of Uncertain Significance.

This study involves interpretation of variants in research participants for the purpose of population health screening. Participant phenotype was not available at the time of variant classification. Additional details can be found in publication PMID: 35346344, PMCID: PMC8962531

Genome-Nilou Lab
Classification: Uncertain significance for Tuberous sclerosis 2. Last evaluated: 2021-11-07. Review status: criteria provided, single submitter. Criteria: ACMG Guidelines, 2015. Collection method: clinical testing. Allele origin: germline. Affected: no.

Fulgent Genetics
Classification: Uncertain significance for Lymphangiomyomatosis; Isolated focal cortical dysplasia type II; Tuberous sclerosis 2. Last evaluated: 2018-10-31. Review status: criteria provided, single submitter. Criteria: ACMG Guidelines, 2015. Collection method: clinical testing. Allele origin: unknown.

Illumina Laboratory Services, Illumina
Classification: Uncertain significance for Tuberous sclerosis syndrome. Last evaluated: 2018-01-13. Review status: criteria provided, single submitter. Criteria: ICSL Variant Classification Criteria 13 December 2019. Collection method: clinical testing. Allele origin: germline.